The following is an entry in ClinVar:

ClinVar aggregate classification (germline): Pathogenic (1 of 4 stars; one submission).

Conditions:
PKD1-related disorder. Also called: PKD1-related condition.

Submission:

PreventionGenetics, part of Exact Sciences
Classification: Pathogenic for PKD1-related condition. Last evaluated: 2023-05-27. Review status: criteria provided, single submitter. Criteria: ACMG Guidelines, 2015. Collection method: clinical testing. Allele origin: germline.
Comment: The PKD1 c.1584delC variant is predicted to result in premature protein termination (p.Tyr528*). To our knowledge, this variant has not been reported in the literature or in a large population database, indicating this variant is rare. Alternative variants resulting in the same protein change c.1584C>A (p.Tyr528*) and c.1583dupA (p.Tyr528*) have been reported in patients with polycystic kidney disease (Carrera et al. 2016. PubMed ID: 27499327; Schönauer et al. 2020. PubMed ID: 32398770). Nonsense variants in PKD1 are expected to be pathogenic. This variant is interpreted as pathogenic.

NM_001009944.3(PKD1):c.1584del (p.Ser527_Tyr528insTer)

Gene: PKD1 (polycystin 1, transient receptor potential channel interacting; minus strand). Cytogenetic location: 16p13.3.
Variant type: Deletion.
Coding change: c.1584del on transcript NM_001009944.3 (MANE Select); coding-DNA position 1584, one base deleted (C; older notation c.1584delC).
Protein change: p.Ser527_Tyr528insTer.
Molecular consequence: nonsense.
Genome position (GRCh38, 1-based): chr16:2,116,855, G deleted on the plus strand (C on the coding strand, the reverse complement: PKD1 is on the minus strand). VCF-style (leftmost placement, unchanged base first): chr16-2116854-CG-C. GRCh37 (hg19) VCF-style: chr16-2166855-CG-C.
Other names: c.1584del, p.Ser527_Tyr528insTer (NM_000296.4).
Identifiers: ClinVar variation 2632186 (VCV002632186.1), dbSNP rs2527408768, ClinGen allele CA2695197434.
Genomic context (GRCh38, chr16:2,116,854, plus strand): 5'-CAGCCAGCGTCTCAGGCCCCTGCCTGGCCCCCCGCACACCTCCGGGCTGCAGCTCGCAGA[CG>C]TAGCTGTGCGGCGCTGAGCACAGGTCGGTGTTACACCACCCGGTGGGCCCGAGCCGGACG-3'